The following is an entry in ClinVar:

ClinVar aggregate classification (germline): Conflicting classifications of pathogenicity. Review status: criteria provided, conflicting classifications (1 of 4 stars). 4 submissions from 4 submitters: Uncertain significance (2); Likely benign (2). Last evaluated 2024-08-13.

Conditions:
BRCA2-related cancer predisposition. Identifiers: MedGen CN377758, MONDO:0700269.
Hereditary cancer-predisposing syndrome. Also called: Neoplastic Syndromes, Hereditary; Tumor predisposition; Hereditary neoplastic syndrome; Hereditary Cancer Syndrome. Identifiers: Orphanet 140162, MedGen C0027672, MeSH D009386, MONDO:0015356.

gnomAD v4.1: 2 of 1,613,216 alleles (0.00012%); highest among the groups gnomAD compares: Admixed American, 0.0017%; no homozygotes.

Submissions (4):

All of Us Research Program, National Institutes of Health
Classification: Uncertain significance for BRCA2-related cancer predisposition. Last evaluated: 2024-08-13. Review status: criteria provided, single submitter. Criteria: ACMG Guidelines, 2015. Collection method: clinical testing. Allele origin: germline. Inheritance: Autosomal dominant inheritance. Observed: 1 variant allele, 1 heterozygote.
Comment: This missense variant replaces asparagine with serine at codon 987 of the BRCA2 protein. Computational prediction suggests that this variant may not impact protein structure and function. To our knowledge, functional studies have not been reported for this variant. This variant has not been reported in individuals affected with BRCA2-related disorders in the literature. This variant has not been identified in the general population by the Genome Aggregation Database (gnomAD). The available evidence is insufficient to determine the role of this variant in disease conclusively. Therefore, this variant is classified as a Variant of Uncertain Significance.

This study involves interpretation of variants in research participants for the purpose of population health screening. Participant phenotype was not available at the time of variant classification. Additional details can be found in publication PMID: 35346344, PMCID: PMC8962531

Color Diagnostics, LLC DBA Color Health
Classification: Uncertain significance for Hereditary cancer-predisposing syndrome. Last evaluated: 2024-07-24. Review status: criteria provided, single submitter. Criteria: ACMG Guidelines, 2015. Collection method: clinical testing. Allele origin: germline.
Comment: This missense variant replaces asparagine with serine at codon 987 of the BRCA2 protein. Computational prediction suggests that this variant may not impact protein structure and function. To our knowledge, functional studies have not been reported for this variant. This variant has not been reported in individuals affected with BRCA2-related disorders in the literature. This variant has not been identified in the general population by the Genome Aggregation Database (gnomAD). The available evidence is insufficient to determine the role of this variant in disease conclusively. Therefore, this variant is classified as a Variant of Uncertain Significance.

Ambry Genetics
Classification: Likely benign for Hereditary cancer-predisposing syndrome. Last evaluated: 2024-04-19. Review status: criteria provided, single submitter. Criteria: Ambry Variant Classification Scheme 2023. Collection method: clinical testing. Allele origin: germline.

University of Washington Department of Laboratory Medicine, University of Washington
Classification: Likely benign for Hereditary cancer-predisposing syndrome. Last evaluated: 2023-03-23. Review status: criteria provided, single submitter. Criteria: Dines et al. (Genet Med. 2020). Collection method: curation. Allele origin: germline.
Comment: Missense variant in a coldspot region where missense variants are very unlikely to be pathogenic (PMID:31911673).

BRCA2 exon 11 coldspot. Reclassification based on statistical prior probability.

NM_000059.4(BRCA2):c.2960A>G (p.Asn987Ser)

Gene: BRCA2 (BRCA2 DNA repair associated; plus strand). Cytogenetic location: 13q13.1.
Variant type: single nucleotide variant.
Coding change: c.2960A>G on transcript NM_000059.4 (MANE Select); coding-DNA position 2960, A replaced by G.
Protein change: p.Asn987Ser; replaces asparagine 987 with serine.
Molecular consequence: missense variant.
Genome position (GRCh38, 1-based): chr13:32,337,315, A>G. VCF-style: chr13-32337315-A-G. GRCh37 (hg19) VCF-style: chr13-32911452-A-G.
Other names: short protein forms N987S.
Identifiers: ClinVar variation 630057 (VCV000630057.8), dbSNP rs2227944, ClinGen allele CA387774449.